The following is an entry in ClinVar:

ClinVar aggregate classification (germline): Uncertain significance (1 of 4 stars; one submission).

Conditions:
Werner syndrome (WRN). Identifiers: Orphanet 902, MedGen C0043119, MONDO:0010196, OMIM 277700.

gnomAD v4.1: 1 of 1,614,026 alleles (0.000062%); highest among the groups gnomAD compares: Non-Finnish European, 0.000085%; no homozygotes.

Submission:

Labcorp Genetics (formerly Invitae), Labcorp
Classification: Uncertain significance for Werner syndrome. Last evaluated: 2021-11-13. Review status: criteria provided, single submitter. Criteria: Invitae Variant Classification Sherloc (09022015). Collection method: clinical testing. Allele origin: germline.
Comment: This sequence change replaces valine, which is neutral and non-polar, with isoleucine, which is neutral and non-polar, at codon 1031 of the WRN protein (p.Val1031Ile). This variant is not present in population databases (gnomAD no frequency). This variant has not been reported in the literature in individuals affected with WRN-related conditions. Algorithms developed to predict the effect of missense changes on protein structure and function are either unavailable or do not agree on the potential impact of this missense change (SIFT: "Not Available"; PolyPhen-2: "Benign"; Align-GVGD: "Not Available"). In summary, the available evidence is currently insufficient to determine the role of this variant in disease. Therefore, it has been classified as a Variant of Uncertain Significance.

NM_000553.6(WRN):c.3091G>A (p.Val1031Ile)

Gene: WRN (WRN RecQ like helicase; plus strand). Cytogenetic location: 8p12.
Variant type: single nucleotide variant.
Coding change: c.3091G>A on transcript NM_000553.6 (MANE Select); coding-DNA position 3091, G replaced by A.
Protein change: p.Val1031Ile; replaces valine 1031 with isoleucine.
Molecular consequence: missense variant.
Genome position (GRCh38, 1-based): chr8:31,141,553, G>A. VCF-style: chr8-31141553-G-A. GRCh37 (hg19) VCF-style: chr8-30999069-G-A.
Other names: short protein forms V1031I.
Identifiers: ClinVar variation 1405284 (VCV001405284.3), dbSNP rs138492730, ClinGen allele CA370922310.